The following is an entry in ClinVar:

ClinVar aggregate classification (germline): Pathogenic (1 of 4 stars; one submission).

Conditions:
Glycogen storage disease, type IV (GSD4). Also called: AMYLOPECTINOSIS; ANDERSEN DISEASE; BRANCHER DEFICIENCY; Glycogen storage disease due to glycogen branching enzyme deficiency; CIRRHOSIS, FAMILIAL, WITH DEPOSITION OF ABNORMAL GLYCOGEN; GBE1 DEFICIENCY. Identifiers: Orphanet 367, MedGen C0017923, MONDO:0009292, OMIM 232500.
Glycogen storage disease IV, classic hepatic. Also called: GSD IV, CLASSIC HEPATIC. Identifiers: MedGen C1856301.

Submission:

Labcorp Genetics (formerly Invitae), Labcorp
Classification: Pathogenic for Glycogen storage disease, type IV; Glycogen storage disease IV, classic hepatic. Last evaluated: 2024-10-01. Review status: criteria provided, single submitter. Criteria: Invitae Variant Classification Sherloc (09022015). Collection method: clinical testing. Allele origin: germline.
Comment: This sequence change creates a premature translational stop signal (p.Thr667Asnfs*2) in the GBE1 gene. It is expected to result in an absent or disrupted protein product. Loss-of-function variants in GBE1 are known to be pathogenic (PMID: 15452297, 20058079). This variant is not present in population databases (gnomAD no frequency). This variant has not been reported in the literature in individuals affected with GBE1-related conditions. For these reasons, this variant has been classified as Pathogenic.

Literature cited by the submitters: PubMed 15452297; PubMed 20058079.

NM_000158.4(GBE1):c.1999dup (p.Thr667fs)

Gene: GBE1 (1,4-alpha-glucan branching enzyme 1; minus strand). Cytogenetic location: 3p12.2.
Variant type: Duplication.
Coding change: c.1999dup on transcript NM_000158.4 (MANE Select); coding-DNA position 1999, one base duplicated (A; older notation c.1999dupA).
Protein change: p.Thr667fs; shifts the reading frame from threonine 667.
Molecular consequence: frameshift variant.
Genome position (GRCh38, 1-based): chr3:81,499,163, T duplicated on the plus strand (A on the coding strand, the reverse complement: GBE1 is on the minus strand). VCF-style (leftmost placement, unchanged base first): chr3-81499162-G-GT. GRCh37 (hg19) VCF-style: chr3-81548313-G-GT.
Other names: short protein forms T667fs.
Identifiers: ClinVar variation 3759216 (VCV003759216.2).